The following is an entry in ClinVar:

NM_001283009.2(RTEL1):c.2446C>G (p.Leu816Val)

Genes: RTEL1 (regulator of telomere elongation helicase 1; plus strand), RTEL1-TNFRSF6B (RTEL1-TNFRSF6B readthrough (NMD candidate); plus strand). Cytogenetic location: 20q13.33.
Variant type: single nucleotide variant.
Coding change: c.2446C>G on transcript NM_001283009.2 (MANE Select); coding-DNA position 2446, C replaced by G.
Protein change: p.Leu816Val; replaces leucine 816 with valine.
Molecular consequence: missense variant. On other transcripts: non-coding transcript variant (1).
Genome position (GRCh38, 1-based): chr20:63,690,837, C>G. VCF-style: chr20-63690837-C-G. GRCh37 (hg19) VCF-style: chr20-62322190-C-G.
Other names: c.1777C>G, p.Leu593Val (NM_001283010.1); c.2446C>G, p.Leu816Val (NM_016434.4); c.2518C>G, p.Leu840Val (NM_032957.5); short protein forms L593V, L816V, L840V.
Identifiers: ClinVar variation 1058325 (VCV001058325.10), dbSNP rs2145434398, ClinGen allele CA409681462.

ClinVar aggregate classification (germline): Uncertain significance. Review status: criteria provided, multiple submitters, no conflicts (2 of 4 stars). 2 submissions from 2 submitters: Uncertain significance (2). Last evaluated 2025-12-06.

Conditions:
Inborn genetic diseases. Identifiers: MedGen C0950123, MeSH D030342.
Pulmonary fibrosis and/or bone marrow failure, Telomere-related, 3. Also called: PULMONARY FIBROSIS AND/OR BONE MARROW FAILURE SYNDROME, TELOMERE-RELATED, 3. Identifiers: Orphanet 2032, MedGen C4225346, MONDO:0014613, OMIM 616373.
Dyskeratosis congenita, autosomal recessive 5 (DKCB5). Identifiers: MedGen C3554656, MONDO:0014076, OMIM 615190.

Submissions (2):

Ambry Genetics
Classification: Uncertain significance for Inborn genetic diseases. Last evaluated: 2025-12-06. Review status: criteria provided, single submitter. Criteria: Ambry Variant Classification Scheme 2023. Collection method: clinical testing. Allele origin: germline.
Comment: The p.L816V variant (also known as c.2446C>G), located in coding exon 26 of the RTEL1 gene, results from a C to G substitution at nucleotide position 2446. The leucine at codon 816 is replaced by valine, an amino acid with highly similar properties. This amino acid position is conserved. In addition, this alteration is predicted to be tolerated by in silico analysis. Based on the available evidence, the clinical significance of this variant remains unclear.

Labcorp Genetics (formerly Invitae), Labcorp
Classification: Uncertain significance for Dyskeratosis congenita, autosomal recessive 5; Pulmonary fibrosis and/or bone marrow failure, Telomere-related, 3. Last evaluated: 2020-03-10. Review status: criteria provided, single submitter. Criteria: Invitae Variant Classification Sherloc (09022015). Collection method: clinical testing. Allele origin: germline.
Comment: This sequence change replaces leucine with valine at codon 816 of the RTEL1 protein (p.Leu816Val). The leucine residue is moderately conserved and there is a small physicochemical difference between leucine and valine. In summary, the available evidence is currently insufficient to determine the role of this variant in disease. Therefore, it has been classified as a Variant of Uncertain Significance. Algorithms developed to predict the effect of sequence changes on RNA splicing suggest that this variant may create or strengthen a splice site, but this prediction has not been confirmed by published transcriptional studies. Algorithms developed to predict the effect of missense changes on protein structure and function output the following: SIFT: "Tolerated"; PolyPhen-2: "Benign"; Align-GVGD: "Class C0". The valine amino acid residue is found in multiple mammalian species, suggesting that this missense change does not adversely affect protein function. These predictions have not been confirmed by published functional studies and their clinical significance is uncertain. This variant has not been reported in the literature in individuals with RTEL1-related conditions. This variant is not present in population databases (ExAC no frequency).